The following is an entry in ClinVar:

ClinVar aggregate classification (germline): Uncertain significance (1 of 4 stars; one submission).

Allele frequency attached by ClinVar (database versions not stated): gnomAD exomes below 0.00001.
gnomAD v4.1: 5 of 1,201,205 alleles (0.00042%); highest among the groups gnomAD compares: Non-Finnish European, 0.00056%; no homozygotes.

Submission:

Women's Health and Genetics/Laboratory Corporation of America, LabCorp
Classification: Uncertain significance. Last evaluated: 2024-02-02. Review status: criteria provided, single submitter. Criteria: LabCorp Variant Classification Summary - May 2015. Collection method: clinical testing. Allele origin: germline.
Comment: Variant summary: CNKSR2 c.3088A>G (p.Ile1030Val) results in a conservative amino acid change in the encoded protein sequence. Three of five in-silico tools predict a damaging effect of the variant on protein function. The variant was absent in 182542 control chromosomes. The available data on variant occurrences in the general population are insufficient to allow any conclusion about variant significance. To our knowledge, no occurrence of c.3088A>G in individuals affected with Mental Retardation X-Linked Syndromic Houge Type and no experimental evidence demonstrating its impact on protein function have been reported. No submitters have cited clinical-significance assessments for this variant to ClinVar. Based on the evidence outlined above, the variant was classified as uncertain significance.

NM_014927.5(CNKSR2):c.3088A>G (p.Ile1030Val)

Gene: CNKSR2 (connector enhancer of kinase suppressor of Ras 2; plus strand). Cytogenetic location: Xp22.12.
Variant type: single nucleotide variant.
Coding change: c.3088A>G on transcript NM_014927.5 (MANE Select); coding-DNA position 3088, A replaced by G.
Protein change: p.Ile1030Val; replaces isoleucine 1030 with valine.
Molecular consequence: missense variant.
Genome position (GRCh38, 1-based): chrX:21,652,504, A>G. VCF-style: chrX-21652504-A-G. GRCh37 (hg19) VCF-style: chrX-21670622-A-G.
Other names: c.2998A>G, p.Ile1000Val (NM_001168647.3); c.2941A>G, p.Ile981Val (NM_001330770.2); c.2851A>G, p.Ile951Val (NM_001330772.2); short protein forms I1000V, I1030V, I951V, I981V.
Identifiers: ClinVar variation 3069089 (VCV003069089.2), dbSNP rs2092723459, ClinGen allele CA412554899.